The following is an entry in ClinVar:

ClinVar aggregate classification (germline): Uncertain significance. Review status: criteria provided, multiple submitters, no conflicts (2 of 4 stars). 6 submissions from 5 submitters: Uncertain significance (6). Last evaluated 2026-02-11.

Conditions:
Cardiovascular phenotype. Identifiers: MedGen CN230736.
Arrhythmogenic right ventricular dysplasia 12. Also called: ARRHYTHMOGENIC RIGHT VENTRICULAR DYSPLASIA, FAMILIAL, 12. Identifiers: MedGen C1969081, MONDO:0012684, OMIM 611528.
Naxos disease (NXD). Also called: CARDIOMYOPATHY, ARRHYTHMOGENIC RIGHT VENTRICULAR, WITH SKIN, HAIR, AND NAIL ABNORMALITIES; KERATOSIS PALMOPLANTARIS WITH ARRHYTHMOGENIC CARDIOMYOPATHY; MAL DE NAXOS; PALMOPLANTAR KERATODERMA WITH ARRHYTHMOGENIC RIGHT VENTRICULAR CARDIOMYOPATHY AND WOOLLY HAIR; WOOLLY HAIR, PALMOPLANTAR KERATODERMA, AND CARDIAC ABNORMALITIES. Identifiers: Orphanet 34217, MedGen C1832600, MONDO:0011017, OMIM 601214.

Allele frequency attached by ClinVar (database versions not stated): ExAC 0.00002; gnomAD exomes 0.00002 and 0.00003; TOPMed 0.00002; gnomAD 0.00003.
gnomAD v4.1: 49 of 1,610,608 alleles (0.003%); highest among the groups gnomAD compares: Non-Finnish European, 0.0039%; no homozygotes.

Submissions (6):

GeneDx
Classification: Uncertain significance. Last evaluated: 2026-02-11. Review status: criteria provided, single submitter. Criteria: GeneDx Variant Classification Process June 2021. Collection method: clinical testing. Allele origin: germline.
Comment: Not observed at significant frequency in large population cohorts (gnomAD); In silico analysis supports that this missense variant has a deleterious effect on protein structure/function; Has not been previously published as pathogenic or benign to our knowledge

Ambry Genetics
Classification: Uncertain significance for Cardiovascular phenotype. Last evaluated: 2025-12-07. Review status: criteria provided, single submitter. Criteria: Ambry Variant Classification Scheme 2023. Collection method: clinical testing. Allele origin: germline.
Comment: The p.P156L variant (also known as c.467C>T), located in coding exon 2 of the JUP gene, results from a C to T substitution at nucleotide position 467. The proline at codon 156 is replaced by leucine, an amino acid with similar properties. This amino acid position is conserved through amphibians, but is not conserved in lower (fish) vertebrate species. In addition, this alteration is predicted to be tolerated by in silico analysis. Since supporting evidence is limited at this time, the clinical significance of this alteration remains unclear.

Labcorp Genetics (formerly Invitae), Labcorp
Classification: Uncertain significance for Arrhythmogenic right ventricular dysplasia 12; Naxos disease. Last evaluated: 2025-01-29. Review status: criteria provided, single submitter. Criteria: Invitae Variant Classification Sherloc (09022015). Collection method: clinical testing. Allele origin: germline.
Comment: This sequence change replaces proline, which is neutral and non-polar, with leucine, which is neutral and non-polar, at codon 156 of the JUP protein (p.Pro156Leu). The frequency data for this variant in the population databases is considered unreliable, as metrics indicate poor data quality at this position in the gnomAD database. This variant has not been reported in the literature in individuals affected with JUP-related conditions. ClinVar contains an entry for this variant (Variation ID: 263731). An algorithm developed to predict the effect of missense changes on protein structure and function (PolyPhen-2) suggests that this variant¬¨‚Ä†is likely to be tolerated. In summary, the available evidence is currently insufficient to determine the role of this variant in disease. Therefore, it has been classified as a Variant of Uncertain Significance.

Blueprint Genetics
Classification: Uncertain significance. Last evaluated: 2024-07-29. Review status: criteria provided, single submitter. Criteria: ACMG Guidelines, 2015. Collection method: clinical testing. Allele origin: germline.

Illumina Laboratory Services, Illumina
Classification: Uncertain significance for Arrhythmogenic right ventricular dysplasia 12. Last evaluated: 2018-01-15. Review status: criteria provided, single submitter. Criteria: ICSL Variant Classification Criteria 13 December 2019. Collection method: clinical testing. Allele origin: germline.

Illumina Laboratory Services, Illumina
Classification: Uncertain significance for Naxos disease. Last evaluated: 2018-01-15. Review status: criteria provided, single submitter. Criteria: ICSL Variant Classification Criteria 13 December 2019. Collection method: clinical testing. Allele origin: germline.

NM_002230.4(JUP):c.467C>T (p.Pro156Leu)

Gene: JUP (junction plakoglobin; minus strand). Cytogenetic location: 17q21.2.
Variant type: single nucleotide variant.
Coding change: c.467C>T on transcript NM_002230.4 (MANE Select); coding-DNA position 467, C replaced by T.
Protein change: p.Pro156Leu; replaces proline 156 with leucine.
Molecular consequence: missense variant.
Genome position (GRCh38, 1-based): chr17:41,769,419, G>A on the plus strand (C>T on the coding strand, the complement: JUP is on the minus strand). VCF-style: chr17-41769419-G-A. GRCh37 (hg19) VCF-style: chr17-39925671-G-A.
Other names: c.467C>T, p.Pro156Leu (NM_001352773.2, NM_001352774.2, NM_001352775.2 and 3 more transcripts); short protein forms P156L.
Identifiers: ClinVar variation 263731 (VCV000263731.18), dbSNP rs782052422, ClinGen allele CA8565489.
Genomic context (GRCh38, chr17:41,769,419, plus strand): 5'-GGACATCTGCTCTCTCCCCTCCCTGCCCAGCCCCCACCCTAGCAGGGACCCTCACAGACC[G>A]GGTCCTCGTCGTTGAGCAGTTTGGTGAGCTCGGGCAGGGCGCGAGTGGCCAGCTCGGCAT-3'
Protein context (NP_002221.1, residues 146-166): ELTKLLNDED[Pro156Leu]VVVTKAAMIV